The following is an entry in ClinVar:

ClinVar aggregate classification (germline): Uncertain significance. Review status: criteria provided, multiple submitters, no conflicts (2 of 4 stars). 2 submissions from 2 submitters: Uncertain significance (2). Last evaluated 2022-10-25.

Conditions:
Peroxisome biogenesis disorder 12A (Zellweger). Also called: Peroxisome biogenesis disorder 12A. Identifiers: Orphanet 912, MedGen C3554002, MONDO:0013951, OMIM 614886.

Allele frequency attached by ClinVar (database versions not stated): TOPMed 0.00001.

Submissions (2):

Labcorp Genetics (formerly Invitae), Labcorp
Classification: Uncertain significance for Peroxisome biogenesis disorder 12A (Zellweger). Last evaluated: 2022-10-25. Review status: criteria provided, single submitter. Criteria: Invitae Variant Classification Sherloc (09022015). Collection method: clinical testing. Allele origin: germline.
Comment: This sequence change replaces proline, which is neutral and non-polar, with histidine, which is basic and polar, at codon 50 of the PEX19 protein (p.Pro50His). This variant is present in population databases (rs11550117, gnomAD 0.004%). This variant has not been reported in the literature in individuals affected with PEX19-related conditions. ClinVar contains an entry for this variant (Variation ID: 876086). Advanced modeling of protein sequence and biophysical properties (such as structural, functional, and spatial information, amino acid conservation, physicochemical variation, residue mobility, and thermodynamic stability) performed at Invitae indicates that this missense variant is not expected to disrupt PEX19 protein function. In summary, the available evidence is currently insufficient to determine the role of this variant in disease. Therefore, it has been classified as a Variant of Uncertain Significance.

Illumina Laboratory Services, Illumina
Classification: Uncertain significance for Peroxisome biogenesis disorder 12A (Zellweger). Last evaluated: 2018-01-15. Review status: criteria provided, single submitter. Criteria: ICSL Variant Classification Criteria 13 December 2019. Collection method: clinical testing. Allele origin: germline.

NM_002857.4(PEX19):c.149C>A (p.Pro50His)

Gene: PEX19 (peroxisomal biogenesis factor 19; minus strand). Cytogenetic location: 1q23.2.
Variant type: single nucleotide variant.
Coding change: c.149C>A on transcript NM_002857.4 (MANE Select); coding-DNA position 149, C replaced by A.
Protein change: p.Pro50His; replaces proline 50 with histidine.
Molecular consequence: missense variant. On other transcripts: non-coding transcript variant (1).
Genome position (GRCh38, 1-based): chr1:160,283,561, G>T on the plus strand (C>A on the coding strand, the complement: PEX19 is on the minus strand). VCF-style: chr1-160283561-G-T. GRCh37 (hg19) VCF-style: chr1-160253351-G-T.
Other names: c.149C>A, p.Pro50His (NM_001193644.1); short protein forms P50H.
Identifiers: ClinVar variation 876086 (VCV000876086.6), dbSNP rs11550117, ClinGen allele CA1197466.